The following is an entry in ClinVar:

NM_000075.4(CDK4):c.523-16T>C

Gene: CDK4 (cyclin dependent kinase 4; minus strand). Cytogenetic location: 12q14.1.
Variant type: single nucleotide variant.
Coding change: c.523-16T>C on transcript NM_000075.4 (MANE Select); 16 bases into the intron before coding-DNA position 523, T replaced by C.
Molecular consequence: intron variant.
Genome position (GRCh38, 1-based): chr12:57,750,781, A>G on the plus strand (T>C on the coding strand, the complement: CDK4 is on the minus strand). VCF-style: chr12-57750781-A-G. GRCh37 (hg19) VCF-style: chr12-58144564-A-G.
Identifiers: ClinVar variation 1536631 (VCV001536631.9), dbSNP rs368524338, ClinGen allele CA6657784.

ClinVar aggregate classification (germline): Likely benign. Review status: criteria provided, multiple submitters, no conflicts (2 of 4 stars). 2 submissions from 2 submitters: Likely benign (2). Last evaluated 2024-10-24.

Conditions:
Melanoma, cutaneous malignant, susceptibility to, 3. Also called: Cutaneous malignant melanoma 3. Identifiers: Orphanet 618, MedGen C1836892, MONDO:0012183, OMIM 609048.
Familial melanoma. Also called: Hereditary melanoma; Hereditary cutaneous melanoma. Identifiers: Orphanet 618, MedGen C1512419, MONDO:0018961.

Allele frequency attached by ClinVar (database versions not stated): TOPMed below 0.00001; ExAC 0.00001; gnomAD 0.00001; gnomAD exomes 0.00001; ESP Exome Variant Server 0.00008.
gnomAD v4.1: 9 of 1,607,756 alleles (0.00056%); highest among the groups gnomAD compares: Non-Finnish European, 0.00068%; no homozygotes.

Submissions (2):

Labcorp Genetics (formerly Invitae), Labcorp
Classification: Likely benign for Familial melanoma. Last evaluated: 2024-10-24. Review status: criteria provided, single submitter. Criteria: Invitae Variant Classification Sherloc (09022015). Collection method: clinical testing. Allele origin: germline.

Myriad Genetics, Inc.
Classification: Likely benign for Melanoma, cutaneous malignant, susceptibility to, 3. Last evaluated: 2024-09-26. Review status: criteria provided, single submitter. Criteria: Myriad Autosomal Dominant, Autosomal Recessive and X-Linked Classification Criteria (2023). Collection method: clinical testing. Allele origin: unknown.
Comment: This variant is considered likely benign. This variant is intronic and is not expected to impact mRNA splicing.